The following is an entry in ClinVar:

ClinVar aggregate classification (germline): Pathogenic. Review status: criteria provided, multiple submitters, no conflicts (2 of 4 stars). 2 submissions from 2 submitters: Pathogenic (2). Last evaluated 2026-09-08.

Conditions:
Fabry disease. Also called: Fabry's disease; GLA DEFICIENCY; HEREDITARY DYSTOPIC LIPIDOSIS; ANDERSON-FABRY DISEASE; CERAMIDE TRIHEXOSIDASE DEFICIENCY; Ceramide trihexosidosis. Identifiers: Orphanet 324, MedGen C0002986, MONDO:0010526, OMIM 301500, HP:0001071. Disease mechanism: loss of function, Fabry disease is due to inactivating mutations in the X-linked GLA gene resulting in deficiency of the enzyme Alpha Galactosidase-A..

Submissions (2):

Genomenon, Inc
Classification: Pathogenic for Fabry disease. Last evaluated: 2026-09-08. Review status: criteria provided, single submitter. Criteria: Genomenon Sequence Variant Interpretation Standards - Updated. Collection method: curation. Allele origin: germline. Affected: yes.
Comment: GLA p.Gly11AlafsTer110 (c.32del) is a frameshift variant that is predicted to introduce a premature termination codon and result in a truncated or absent protein product. This variant has been observed in at least one proband with clinical features consistent with Fabry disease (PMID:27560961;31996269;27896116). The variant was found to segregate with disease in at least one affected family (PMID:27896116). It is absent or not present at a significant frequency in gnomAD. In conclusion, we classify GLA p.Gly11AlafsTer110 (c.32del) as a pathogenic variant.

Labcorp Genetics (formerly Invitae), Labcorp
Classification: Pathogenic for Fabry disease. Last evaluated: 2022-11-08. Review status: criteria provided, single submitter. Criteria: Invitae Variant Classification Sherloc (09022015). Collection method: clinical testing. Allele origin: germline.
Comment: This sequence change creates a premature translational stop signal (p.Gly11Alafs*110) in the GLA gene. It is expected to result in an absent or disrupted protein product. Loss-of-function variants in GLA are known to be pathogenic (PMID: 10666480, 12175777). This variant is not present in population databases (gnomAD no frequency). This premature translational stop signal has been observed in individual(s) with Fabry disease (PMID: 10360396). It has also been observed to segregate with disease in related individuals. This variant is also known as c.30delG. For these reasons, this variant has been classified as Pathogenic.

Literature cited by the submitters: PubMed 27560961 (cited by Genomenon, Inc); PubMed 31996269 (cited by Genomenon, Inc); PubMed 27896116 (cited by Genomenon, Inc); PubMed 10666480 (cited by Labcorp Genetics (formerly Invitae), Labcorp); PubMed 12175777 (cited by Labcorp Genetics (formerly Invitae), Labcorp); PubMed 10360396 (cited by Labcorp Genetics (formerly Invitae), Labcorp).

NM_000169.3(GLA):c.32del (p.Gly11fs)

Genes: GLA (galactosidase alpha; minus strand), RPL36A-HNRNPH2 (RPL36A-HNRNPH2 readthrough; plus strand). Cytogenetic location: Xq22.1.
Variant type: Deletion.
Coding change: c.32del on transcript NM_000169.3 (MANE Select); coding-DNA position 32, one base deleted (G; older notation c.32delG).
Protein change: p.Gly11fs; shifts the reading frame from glycine 11.
Molecular consequence: frameshift variant. On other transcripts: non-coding transcript variant (3), intron variant (2).
Genome position (GRCh38, 1-based): chrX:101,407,872, C deleted on the plus strand (G on the coding strand, the reverse complement: GLA is on the minus strand); the first of 3 consecutive C bases (chrX:101,407,872-101,407,874); deleting any one gives the same sequence. VCF-style (leftmost placement, unchanged base first): chrX-101407871-GC-G. GRCh37 (hg19) VCF-style: chrX-100662859-GC-G.
Other names: c.32del, p.Gly11fs (NM_001406747.1, NM_001406748.1, NM_001406749.1); c.301-4062del (NM_001199973.2); c.178-4062del (NM_001199974.2); short protein forms G11fs.
Identifiers: ClinVar variation 2138675 (VCV002138675.6), dbSNP rs869312278, ClinGen allele CA352793.